The following is an entry in ClinVar:

NM_003728.4(UNC5C):c.2037G>A (p.Ala679=)

Gene: UNC5C (unc-5 netrin receptor C; minus strand). Cytogenetic location: 4q22.3.
Variant type: single nucleotide variant.
Coding change: c.2037G>A on transcript NM_003728.4 (MANE Select); coding-DNA position 2037, G replaced by A.
Protein change: p.Ala679=; no amino-acid change (alanine 679 retained).
Molecular consequence: synonymous variant.
Genome position (GRCh38, 1-based): chr4:95,202,830, C>T on the plus strand (G>A on the coding strand, the complement: UNC5C is on the minus strand). VCF-style: chr4-95202830-C-T. GRCh37 (hg19) VCF-style: chr4-96123981-C-T.
Identifiers: ClinVar variation 3060708 (VCV003060708.2), dbSNP rs3733212, ClinGen allele CA3015510.

ClinVar aggregate classification (germline): Benign (0 of 4 stars; one submission).

Conditions:
UNC5C-related disorder. Also called: UNC5C-related condition.

Allele frequency attached by ClinVar (database versions not stated): 1000 Genomes Project 0.58427; 1000 Genomes Project 30x 0.59275; ExAC 0.62129; gnomAD exomes 0.66655; TOPMed 0.66900; gnomAD 0.66968; ESP Exome Variant Server 0.70029.
gnomAD v4.1: 1,076,169 of 1,613,976 alleles (67%); highest among the groups gnomAD compares: Middle Eastern, 76%; 364,646 homozygotes.

Submission:

PreventionGenetics, part of Exact Sciences
Classification: Benign for UNC5C-related condition. Last evaluated: 2019-10-17. Review status: no assertion criteria provided. Collection method: clinical testing. Allele origin: germline.
Comment: This variant is classified as benign based on ACMG/AMP sequence variant interpretation guidelines (Richards et al. 2015 PMID: 25741868, with internal and published modifications).